The following is an entry in ClinVar:

ClinVar aggregate classification (germline): Pathogenic (1 of 4 stars; one submission).

Submission:

Labcorp Genetics (formerly Invitae), Labcorp
Classification: Pathogenic. Last evaluated: 2021-08-12. Review status: criteria provided, single submitter. Criteria: Invitae Variant Classification Sherloc (09022015). Collection method: clinical testing. Allele origin: germline.
Comment: A gross deletion of the genomic region encompassing the full coding sequence of the MMP2 gene has been identified. Loss-of-function variants in MMP2 are known to be pathogenic (PMID: 26601801). The boundaries of this event are unknown as they extend beyond the assayed region for this gene and therefore may encompass additional genes. This variant has not been reported in the literature in individuals with MMP2-related conditions. For these reasons, this variant has been classified as Pathogenic.

Literature cited by the submitters: PubMed 26601801.

NC_000016.9:g.(?_55513392)_(55539354_?)del

Gene: MMP2 (matrix metallopeptidase 2; plus strand). Cytogenetic location: 16q12.2.
Variant type: Deletion.
Identifiers: ClinVar variation 1457670 (VCV001457670.4).